The following is an entry in ClinVar:

NM_002474.3(MYH11):c.890-165G>A

Gene: MYH11 (myosin heavy chain 11; minus strand). Cytogenetic location: 16p13.11.
Variant type: single nucleotide variant.
Coding change: c.890-165G>A on transcript NM_002474.3 (MANE Select); 165 bases into the intron before coding-DNA position 890, G replaced by A.
Molecular consequence: intron variant.
Genome position (GRCh38, 1-based): chr16:15,771,877, C>T on the plus strand (G>A on the coding strand, the complement: MYH11 is on the minus strand). VCF-style: chr16-15771877-C-T. GRCh37 (hg19) VCF-style: chr16-15865734-C-T.
Other names: c.890-165G>A (NM_022844.3); c.911-165G>A (NM_001040114.2, NM_001040113.2).
Identifiers: ClinVar variation 675272 (VCV000675272.2), dbSNP rs138482163, ClinGen allele CA14262666.

ClinVar aggregate classification (germline): Likely benign. Review status: criteria provided, multiple submitters, no conflicts (2 of 4 stars). 2 submissions from 2 submitters: Likely benign (2). Last evaluated 2018-06-14.

Allele frequency attached by ClinVar (database versions not stated): TOPMed 0.01982; 1000 Genomes Project 0.02097; 1000 Genomes Project 30x 0.02124; gnomAD 0.02163 and 0.02277.
gnomAD v4.1: 3,534 of 152,166 alleles (2.3%); highest among the groups gnomAD compares: South Asian, 7.2%; 70 homozygotes.

Submissions (2):

GeneDx
Classification: Likely benign. Last evaluated: 2018-06-14. Review status: criteria provided, single submitter. Criteria: GeneDx Variant Classification (06012015). Collection method: clinical testing. Allele origin: germline. Affected: yes.
Comment: This variant is considered likely benign or benign based on one or more of the following criteria: it is a conservative change, it occurs at a poorly conserved position in the protein, it is predicted to be benign by multiple in silico algorithms, and/or has population frequency not consistent with disease.

Breakthrough Genomics
Classification: Likely benign. Review status: criteria provided, single submitter. Criteria: ACMG Guidelines, 2015. Collection method: not provided. Allele origin: germline. Inheritance: Autosomal recessive inheritance. Affected: yes.